The following is an entry in ClinVar:

NM_001304360.2(CFAP74):c.709A>G (p.Arg237Gly)

Gene: CFAP74 (cilia and flagella associated protein 74; minus strand). Cytogenetic location: 1p36.33.
Variant type: single nucleotide variant.
Coding change: c.709A>G on transcript NM_001304360.2 (MANE Select); coding-DNA position 709, A replaced by G.
Protein change: p.Arg237Gly; replaces arginine 237 with glycine.
Molecular consequence: missense variant.
Genome position (GRCh38, 1-based): chr1:1,973,013, T>C on the plus strand (A>G on the coding strand, the complement: CFAP74 is on the minus strand). VCF-style: chr1-1973013-T-C. GRCh37 (hg19) VCF-style: chr1-1904452-T-C.
Other names: NM_001080484.1:c.709A>G; short protein forms R237G.
Identifiers: ClinVar variation 2209812 (VCV002209812.6), dbSNP rs200874085, ClinGen allele CA534120.
Genomic context (GRCh38, chr1:1,973,013, plus strand): 5'-TCAGGAACCGCACGGCAACCTTGTGGTTCTTCCGGGCGTCCTCCAGCAGCTTCTGGTGCC[T>C]GAGCCCGAGCTCCTTCTGGGTGTTCAGGGACTTCCTGTGGGGATATGGGGCCGTCAGAGG-3'
Protein context (NP_001291289.1, residues 227-247): SLNTQKELGL[Arg237Gly]HQKLLEDARK

ClinVar aggregate classification (germline): Conflicting classifications of pathogenicity. Review status: criteria provided, conflicting classifications (1 of 4 stars). 2 submissions from 2 submitters: Uncertain significance (1); Likely benign (1). Last evaluated 2026-01-01.

Allele frequency attached by ClinVar (database versions not stated): gnomAD 0.00007; TOPMed 0.00008; ExAC 0.00011; gnomAD exomes 0.00011; ESP Exome Variant Server 0.00025.
gnomAD v4.1: 169 of 1,613,866 alleles (0.01%); highest among the groups gnomAD compares: Middle Eastern, 0.12%; 1 homozygote.

Submissions (2):

CeGaT Center for Human Genetics Tuebingen
Classification: Likely benign. Last evaluated: 2026-01-01. Review status: criteria provided, single submitter. Criteria: CeGaT Center For Human Genetics Tuebingen Variant Classification Criteria Version 2. Collection method: clinical testing. Allele origin: germline. Affected: yes. Observed: 1 variant allele.
Comment: CFAP74: BP4

Ambry Genetics
Classification: Uncertain significance. Last evaluated: 2021-08-10. Review status: criteria provided, single submitter. Criteria: Ambry Variant Classification Scheme 2023. Collection method: clinical testing. Allele origin: germline.